The following is an entry in ClinVar:

NM_006206.6(PDGFRA):c.1365-9T>A

Gene: PDGFRA (platelet derived growth factor receptor alpha; plus strand). Cytogenetic location: 4q12.
Variant type: single nucleotide variant.
Coding change: c.1365-9T>A on transcript NM_006206.6 (MANE Select); 9 bases into the intron before coding-DNA position 1365, T replaced by A.
Molecular consequence: intron variant.
Genome position (GRCh38, 1-based): chr4:54,273,528, T>A. VCF-style: chr4-54273528-T-A. GRCh37 (hg19) VCF-style: chr4-55139695-T-A.
Other names: c.1440-9T>A (NM_001347828.2); c.1365-9T>A (NM_001347827.2, NM_001347829.2); c.1404-9T>A (NM_001347830.2).
Identifiers: ClinVar variation 528563 (VCV000528563.13), dbSNP rs912915440, ClinGen allele CA96858654.

ClinVar aggregate classification (germline): Likely benign. Review status: criteria provided, multiple submitters, no conflicts (2 of 4 stars). 2 submissions from 2 submitters: Likely benign (2). Last evaluated 2026-06-15.

Conditions:
Polyps, multiple and recurrent inflammatory fibroid, gastrointestinal. Identifiers: MedGen C5193005, MONDO:0008285, OMIM 175510.
Gastrointestinal stromal tumor. Also called: Gastrointestinal stroma tumor; Gastrointestinal stromal tumor, somatic. Identifiers: Orphanet 44890, MedGen C0238198, MeSH D046152, MONDO:0011719, OMIM 606764, HP:0100723.

Allele frequency attached by ClinVar (database versions not stated): gnomAD 0.00001; gnomAD exomes 0.00001; TOPMed 0.00001.
gnomAD v4.1: 19 of 1,612,978 alleles (0.0012%); highest among the groups gnomAD compares: Non-Finnish European, 0.0015%; no homozygotes.

Submissions (2):

Myriad Genetics, Inc.
Classification: Likely benign for Polyps, multiple and recurrent inflammatory fibroid, gastrointestinal. Last evaluated: 2026-06-15. Review status: criteria provided, single submitter. Criteria: Myriad Autosomal Dominant, Autosomal Recessive and X-Linked Classification Criteria (2023). Collection method: clinical testing. Allele origin: unknown.
Comment: This variant is considered likely benign. This variant is intronic and is not expected to impact mRNA splicing. This variant has been observed at a population frequency that is significantly greater than expected given the associated disease prevalence and penetrance.

Labcorp Genetics (formerly Invitae), Labcorp
Classification: Likely benign for Gastrointestinal stromal tumor. Last evaluated: 2025-12-24. Review status: criteria provided, single submitter. Criteria: Invitae Variant Classification Sherloc (09022015). Collection method: clinical testing. Allele origin: germline.